The following is an entry in ClinVar:

NC_000009.11:g.(?_135771622)_(135801136_?)dup

Gene: TSC1 (TSC complex subunit 1; minus strand). Cytogenetic location: 9q34.13.
Variant type: Duplication.
Identifiers: ClinVar variation 1372854 (VCV001372854.4).

ClinVar aggregate classification (germline): Uncertain significance (1 of 4 stars; one submission).

Conditions:
Tuberous sclerosis 1 (TSC1). Identifiers: Orphanet 805, MedGen C1854465, MONDO:0008612, OMIM 191100.

Submission:

Labcorp Genetics (formerly Invitae), Labcorp
Classification: Uncertain significance for Tuberous sclerosis 1. Last evaluated: 2021-04-26. Review status: criteria provided, single submitter. Criteria: Invitae Variant Classification Sherloc (09022015). Collection method: clinical testing. Allele origin: germline.
Comment: In summary, the available evidence is currently insufficient to determine the role of this variant in disease. Therefore, it has been classified as a Variant of Uncertain Significance. Experimental studies and prediction algorithms are not available or were not evaluated, and the functional significance of this variant is currently unknown. This variant has not been reported in the literature in individuals with TSC1-related conditions. This variant results in a copy number gain of the genomic region encompassing exon(s) 5-23 of the TSC1 gene. The 5' boundary is likely confined to intron 4. The 3' end of this event is unknown as it extends beyond the assayed region for this gene and therefore may encompass additional genes. As the precise location of this event is unknown, it may be in tandem or it may be located elsewhere in the genome.